The following is an entry in ClinVar:

NM_206933.4(USH2A):c.14489C>A (p.Ser4830Ter)

Gene: USH2A (usherin; minus strand). Cytogenetic location: 1q41.
Variant type: single nucleotide variant.
Coding change: c.14489C>A on transcript NM_206933.4 (MANE Select); coding-DNA position 14489, C replaced by A.
Protein change: p.Ser4830Ter; replaces serine 4830 with a stop codon.
Molecular consequence: nonsense.
Genome position (GRCh38, 1-based): chr1:215,648,621, G>T on the plus strand (C>A on the coding strand, the complement: USH2A is on the minus strand). VCF-style: chr1-215648621-G-T. GRCh37 (hg19) VCF-style: chr1-215821963-G-T.
Other names: short protein forms S4830*.
Identifiers: ClinVar variation 3775905 (VCV003775905.1).

ClinVar aggregate classification (germline): Likely pathogenic (1 of 4 stars; one submission).

Conditions:
Usher syndrome type 2A. Also called: RETINAL DISEASE IN USHER SYNDROME TYPE IIA, MODIFIER OF; USHER SYNDROME, TYPE IIA. Identifiers: Orphanet 231178, Orphanet 886, MedGen C1848634, MONDO:0010169, OMIM 276901.

Submission:

3billion
Classification: Likely pathogenic for Usher syndrome type 2A. Last evaluated: 2023-08-31. Review status: criteria provided, single submitter. Criteria: ACMG Guidelines, 2015. Collection method: clinical testing. Allele origin: germline. Affected: yes.
Comment: The variant is not observed in the gnomAD v2.1.1 dataset. Predicted Consequence/Location: Stop-gained (nonsense): predicted to result in a loss or disruption of normal protein function through nonsense-mediated decay (NMD) or protein truncation. Multiple pathogenic variants are reported downstream of the variant. Therefore, this variant is classified as Likely pathogenic according to the recommendation of ACMG/AMP guideline.